The following is an entry in ClinVar:

NM_024596.5(MCPH1):c.1144A>T (p.Met382Leu)

Gene: MCPH1 (microcephalin 1; plus strand). Cytogenetic location: 8p23.1.
Variant type: single nucleotide variant.
Coding change: c.1144A>T on transcript NM_024596.5 (MANE Select); coding-DNA position 1144, A replaced by T.
Protein change: p.Met382Leu; replaces methionine 382 with leucine.
Molecular consequence: missense variant. On other transcripts: non-coding transcript variant (1).
Genome position (GRCh38, 1-based): chr8:6,444,866, A>T. VCF-style: chr8-6444866-A-T. GRCh37 (hg19) VCF-style: chr8-6302387-A-T.
Other names: c.1144A>T (NM_024596.3); c.1144A>T, p.Met382Leu (NM_001172574.2, NM_001322042.2, NM_001363979.1 and 1 more transcripts); c.1000A>T, p.Met334Leu (NM_001172575.2); c.1138A>T, p.Met380Leu (NM_001322043.2); c.1042A>T, p.Met348Leu (NM_001322045.2); short protein forms M382L, M348L, M334L, M380L.
Identifiers: ClinVar variation 1520445 (VCV001520445.6), dbSNP rs1449134332, ClinGen allele CA370220963.

ClinVar aggregate classification (germline): Uncertain significance. Review status: criteria provided, multiple submitters, no conflicts (2 of 4 stars). 2 submissions from 2 submitters: Uncertain significance (2). Last evaluated 2026-04-06.

Conditions:
Inborn genetic diseases. Identifiers: MedGen C0950123, MeSH D030342.

Allele frequency attached by ClinVar (database versions not stated): gnomAD 0.00001.
gnomAD v4.1: 2 of 1,614,112 alleles (0.00012%); highest among the groups gnomAD compares: Admixed American, 0.0017%; no homozygotes.

Submissions (2):

Ambry Genetics
Classification: Uncertain significance for Inborn genetic diseases. Last evaluated: 2026-04-06. Review status: criteria provided, single submitter. Criteria: Ambry Variant Classification Scheme 2023. Collection method: clinical testing. Allele origin: germline.

Labcorp Genetics (formerly Invitae), Labcorp
Classification: Uncertain significance. Last evaluated: 2022-08-22. Review status: criteria provided, single submitter. Criteria: Invitae Variant Classification Sherloc (09022015). Collection method: clinical testing. Allele origin: germline.
Comment: This sequence change replaces methionine, which is neutral and non-polar, with leucine, which is neutral and non-polar, at codon 382 of the MCPH1 protein (p.Met382Leu). This variant is present in population databases (no rsID available, gnomAD no frequency). This variant has not been reported in the literature in individuals affected with MCPH1-related conditions. ClinVar contains an entry for this variant (Variation ID: 1520445). Algorithms developed to predict the effect of missense changes on protein structure and function output the following: SIFT: "Not Available"; PolyPhen-2: "Possibly Damaging"; Align-GVGD: "Not Available". The leucine amino acid residue is found in multiple mammalian species, which suggests that this missense change does not adversely affect protein function. In summary, the available evidence is currently insufficient to determine the role of this variant in disease. Therefore, it has been classified as a Variant of Uncertain Significance.